The following is an entry in ClinVar:

NM_000081.4(LYST):c.5569G>A (p.Gly1857Arg)

Gene: LYST (lysosomal trafficking regulator; minus strand). Cytogenetic location: 1q42.3.
Variant type: single nucleotide variant.
Coding change: c.5569G>A on transcript NM_000081.4 (MANE Select); coding-DNA position 5569, G replaced by A.
Protein change: p.Gly1857Arg; replaces glycine 1857 with arginine.
Molecular consequence: missense variant.
Genome position (GRCh38, 1-based): chr1:235,774,978, C>T on the plus strand (G>A on the coding strand, the complement: LYST is on the minus strand). VCF-style: chr1-235774978-C-T. GRCh37 (hg19) VCF-style: chr1-235938278-C-T.
Other names: c.5569G>A, p.Gly1857Arg (NM_001301365.1); short protein forms G1857R.
Identifiers: ClinVar variation 4624052 (VCV004624052.2).

ClinVar aggregate classification (germline): Uncertain significance. Review status: criteria provided, multiple submitters, no conflicts (2 of 4 stars). 2 submissions from 2 submitters: Uncertain significance (2). Last evaluated 2025-09-22.

Conditions:
Chédiak-Higashi syndrome (CHS). Also called: Chediak-Higashi Syndrome. Identifiers: Orphanet 167, MedGen C0007965, MONDO:0008963, OMIM 214500.
Inborn genetic diseases. Identifiers: MedGen C0950123, MeSH D030342.

Submissions (2):

Ambry Genetics
Classification: Uncertain significance for Inborn genetic diseases. Last evaluated: 2025-09-22. Review status: criteria provided, single submitter. Criteria: Ambry Variant Classification Scheme 2023. Collection method: clinical testing. Allele origin: germline.

Labcorp Genetics (formerly Invitae), Labcorp
Classification: Uncertain significance for Chédiak-Higashi syndrome. Last evaluated: 2025-09-08. Review status: criteria provided, single submitter. Criteria: Invitae Variant Classification Sherloc (09022015). Collection method: clinical testing. Allele origin: germline.
Comment: This sequence change replaces glycine, which is neutral and non-polar, with arginine, which is basic and polar, at codon 1857 of the LYST protein (p.Gly1857Arg). This variant is not present in population databases (gnomAD no frequency). This variant has not been reported in the literature in individuals affected with LYST-related conditions. Invitae Evidence Modeling of protein sequence and biophysical properties (such as structural, functional, and spatial information, amino acid conservation, physicochemical variation, residue mobility, and thermodynamic stability) indicates that this missense variant is expected to disrupt LYST protein function with a positive predictive value of 80%. In summary, the available evidence is currently insufficient to determine the role of this variant in disease. Therefore, it has been classified as a Variant of Uncertain Significance.